The following is an entry in ClinVar:

NM_004990.4(MARS1):c.1126C>T (p.Arg376Ter)

Gene: MARS1 (methionyl-tRNA synthetase 1; plus strand). Cytogenetic location: 12q13.3.
Variant type: single nucleotide variant.
Coding change: c.1126C>T on transcript NM_004990.4 (MANE Select); coding-DNA position 1126, C replaced by T.
Protein change: p.Arg376Ter; replaces arginine 376 with a stop codon.
Molecular consequence: nonsense.
Genome position (GRCh38, 1-based): chr12:57,500,355, C>T. VCF-style: chr12-57500355-C-T. GRCh37 (hg19) VCF-style: chr12-57894138-C-T.
Other names: c.1126C>T (NM_004990.3); short protein forms R376*.
Identifiers: ClinVar variation 2070663 (VCV002070663.5), dbSNP rs150674269, ClinGen allele CA6650428.

ClinVar aggregate classification (germline): Uncertain significance. Review status: criteria provided, multiple submitters, no conflicts (2 of 4 stars). 2 submissions from 2 submitters: Uncertain significance (2). Last evaluated 2025-07-15.

Conditions:
Severe early-onset pulmonary alveolar proteinosis due to MARS deficiency. Also called: PULMONARY ALVEOLAR PROTEINOSIS, REUNION ISLAND; Interstitial lung and liver disease. Identifiers: Orphanet 440427, MedGen C4225400, MONDO:0014206, OMIM 615486.
Charcot-Marie-Tooth disease axonal type 2U. Also called: CHARCOT-MARIE-TOOTH NEUROPATHY, TYPE 2U; CHARCOT-MARIE-TOOTH DISEASE, AXONAL, AUTOSOMAL DOMINANT, TYPE 2U. Identifiers: Orphanet 397735, MedGen C4084821, MONDO:0014566, OMIM 616280.
MARS1-related disorder. Also called: MARS1-related condition.

Allele frequency attached by ClinVar (database versions not stated): ExAC 0.00002; gnomAD 0.00004; TOPMed 0.00005; 1000 Genomes Project 30x 0.00016; 1000 Genomes Project 0.00020.

Submissions (2):

PreventionGenetics, part of Exact Sciences
Classification: Uncertain significance for MARS1-related condition. Last evaluated: 2025-07-15. Review status: criteria provided, single submitter. Criteria: ACMG Guidelines, 2015. Collection method: clinical testing. Allele origin: germline.
Comment: The MARS1 c.1126C>T variant is predicted to result in premature protein termination (p.Arg376*). This variant has not been reported in individuals with MARS1-related disorders. This variant is reported in 0.012% of alleles in individuals of African descent in gnomAD. Loss of function is not an established mechanism of MARS1-related disease. At this time, the clinical significance of this variant is uncertain due to the absence of conclusive functional and genetic evidence.

Labcorp Genetics (formerly Invitae), Labcorp
Classification: Uncertain significance for Charcot-Marie-Tooth disease axonal type 2U; Severe early-onset pulmonary alveolar proteinosis due to MARS deficiency. Last evaluated: 2025-02-22. Review status: criteria provided, single submitter. Criteria: Invitae Variant Classification Sherloc (09022015). Collection method: clinical testing. Allele origin: germline.
Comment: This sequence change creates a premature translational stop signal (p.Arg376*) in the MARS gene. It is expected to result in an absent or disrupted protein product. However, the current clinical and genetic evidence is not sufficient to establish whether loss-of-function variants in MARS cause disease. This variant is present in population databases (rs150674269, gnomAD 0.01%). This variant has not been reported in the literature in individuals affected with MARS-related conditions. ClinVar contains an entry for this variant (Variation ID: 2070663). In summary, the available evidence is currently insufficient to determine the role of this variant in disease. Therefore, it has been classified as a Variant of Uncertain Significance.